The following is an entry in ClinVar:

ClinVar aggregate classification (germline): Likely benign. Review status: criteria provided, multiple submitters, no conflicts (2 of 4 stars). 3 submissions from 3 submitters: Likely benign (3). Last evaluated 2023-09-26.

Conditions:
RYR1-related disorder. Also called: RYR1-related condition; RYR1-related disorders. Identifiers: MedGen CN239331.
Malignant hyperthermia, susceptibility to, 1 (MHS1). Also called: Malignant hyperthermia suceptibility 1; Anesthesia related hyperthermia; Malignant hyperpyrexia; Fulminating hyperpyrexia; Pharmacogenic myopathy; RYR1-Related Malignant Hyperthermia Susceptibility. Identifiers: Orphanet 423, MedGen C2930980, MONDO:0007783, OMIM 145600.

Submissions (3):

Labcorp Genetics (formerly Invitae), Labcorp
Classification: Likely benign for RYR1-related disorder. Last evaluated: 2023-09-26. Review status: criteria provided, single submitter. Criteria: Invitae Variant Classification Sherloc (09022015). Collection method: clinical testing. Allele origin: germline.

All of Us Research Program, National Institutes of Health
Classification: Likely benign for Malignant hyperthermia, susceptibility to, 1. Last evaluated: 2023-07-10. Review status: criteria provided, single submitter. Criteria: ACMG Guidelines, 2015. Collection method: clinical testing. Allele origin: germline. Inheritance: Autosomal dominant inheritance. Observed: 1 variant allele, 1 heterozygote.
Comment: This study involves interpretation of variants in research participants for the purpose of population health screening. Participant phenotype was not available at the time of variant classification. Additional details can be found in publication PMID: 35346344, PMCID: PMC8962531

Color Diagnostics, LLC DBA Color Health
Classification: Likely benign for Malignant hyperthermia, susceptibility to, 1. Last evaluated: 2022-11-07. Review status: criteria provided, single submitter. Criteria: ACMG Guidelines, 2015. Collection method: clinical testing. Allele origin: germline.

NM_000540.3(RYR1):c.5607G>A (p.Glu1869=)

Gene: RYR1 (ryanodine receptor 1; plus strand). Cytogenetic location: 19q13.2.
Variant type: single nucleotide variant.
Coding change: c.5607G>A on transcript NM_000540.3 (MANE Select); coding-DNA position 5607, G replaced by A.
Protein change: p.Glu1869=; no amino-acid change (glutamic acid 1869 retained).
Molecular consequence: synonymous variant.
Genome position (GRCh38, 1-based): chr19:38,489,236, G>A. VCF-style: chr19-38489236-G-A. GRCh37 (hg19) VCF-style: chr19-38979876-G-A.
Other names: c.5607G>A, p.Glu1869= (NM_001042723.2).
Identifiers: ClinVar variation 2905645 (VCV002905645.5), dbSNP rs1043076830, ClinGen allele CA507353635.